The following is an entry in ClinVar:

ClinVar aggregate classification (germline): Likely benign (1 of 4 stars; one submission).

Submission:

CeGaT Center for Human Genetics Tuebingen
Classification: Likely benign. Last evaluated: 2022-09-01. Review status: criteria provided, single submitter. Criteria: CeGaT Center For Human Genetics Tuebingen Variant Classification Criteria Version 2. Collection method: clinical testing. Allele origin: germline. Affected: yes. Observed: 1 variant allele.
Comment: HMCN2: PM2:Supporting, BP4, BP7

NM_001291815.2(HMCN2):c.5643G>C (p.Gly1881=)

Gene: HMCN2 (hemicentin 2; plus strand). Cytogenetic location: 9q34.11.
Variant type: single nucleotide variant.
Coding change: c.5643G>C on transcript NM_001291815.2 (MANE Select); coding-DNA position 5643, G replaced by C.
Protein change: p.Gly1881=; no amino-acid change (glycine 1881 retained).
Molecular consequence: synonymous variant.
Genome position (GRCh38, 1-based): chr9:130,358,452, G>C. VCF-style: chr9-130358452-G-C. GRCh37 (hg19) VCF-style: chr9-133233839-G-C.
Identifiers: ClinVar variation 2659591 (VCV002659591.24), dbSNP rs199703083, ClinGen allele CA467385705.